The following is an entry in ClinVar:

NM_001394062.1(MACF1):c.20743G>A (p.Glu6915Lys)

Gene: MACF1 (microtubule actin crosslinking factor 1; plus strand). Cytogenetic location: 1p34.3.
Variant type: single nucleotide variant.
Coding change: c.20743G>A on transcript NM_001394062.1 (MANE Select); coding-DNA position 20743, G replaced by A.
Protein change: p.Glu6915Lys; replaces glutamic acid 6915 with lysine.
Molecular consequence: missense variant.
Genome position (GRCh38, 1-based): chr1:39,453,707, G>A. VCF-style: chr1-39453707-G-A. GRCh37 (hg19) VCF-style: chr1-39919379-G-A.
Other names: c.8821G>A, p.Glu2941Lys (NM_001397473.1); c.14566G>A, p.Glu4856Lys (NM_012090.5); short protein forms E2941K, E4856K, E6915K.
Identifiers: ClinVar variation 2671718 (VCV002671718.2), dbSNP rs1644383141, ClinGen allele CA339763411.
Genomic context (GRCh38, chr1:39,453,707, plus strand): 5'-ACTAACAGTGCTGCTAATGTAGACTTTTTACGTTTTTGTTTTCAAATCTTTTTTGTTTAG[G>A]AATTCATGAAGAAAGTAGAAGAAAAGCGAGTGGACGTTAACTCAGCAGTAGCCATGGGAG-3'
Protein context (NP_001380991.1, residues 6905-6925): ALQSLIDTHK[Glu6915Lys]FMKKVEEKRV

ClinVar aggregate classification (germline): Uncertain significance. Review status: criteria provided, multiple submitters, no conflicts (2 of 4 stars). 2 submissions from 2 submitters: Uncertain significance (2). Last evaluated 2024-08-26.

Conditions:
Lissencephaly 9 with complex brainstem malformation. Identifiers: Orphanet 572013, MedGen C5193029, MONDO:0032677, OMIM 618325.

Submissions (2):

GeneDx
Classification: Uncertain significance. Last evaluated: 2024-08-26. Review status: criteria provided, single submitter. Criteria: GeneDx Variant Classification Process June 2021. Collection method: clinical testing. Allele origin: germline. Affected: yes.
Comment: Not observed at significant frequency in large population cohorts (gnomAD); In silico analysis supports that this missense variant has a deleterious effect on protein structure/function; Has not been previously published as pathogenic or benign to our knowledge

Neuberg Centre For Genomic Medicine, NCGM
Classification: Uncertain significance for Lissencephaly 9 with complex brainstem malformation. Last evaluated: 2023-02-14. Review status: criteria provided, single submitter. Criteria: ACMG Guidelines, 2015. Collection method: clinical testing. Allele origin: germline. Inheritance: Autosomal dominant inheritance. Affected: yes.
Comment: The missense c.14566G>A(p.Glu4856Lys) variant in MACF1 gene has not been reported previously as a pathogenic variant nor a benign variant, to our knowledge. The p.Glu4856Lys variant is novel (not in any individuals) in both gnomAD Exomes and 1000 Genomes databases. This variant has not been reported to the ClinVar database. The amino acid change p.Glu4856Lys in MACF1 is predicted as conserved by GERP++ and PhyloP across 100 vertebrates. The amino acid Glu at position 4856 is changed to a Lys changing protein sequence and it might alter its composition and physico-chemical properties. For these reasons, this variant has been classified as a Variant of Uncertain Significance (VUS).